The following is an entry in ClinVar:

NM_006060.6(IKZF1):c.937C>G (p.Gln313Glu)

Gene: IKZF1 (IKAROS family zinc finger 1; plus strand). Cytogenetic location: 7p12.2.
Variant type: single nucleotide variant.
Coding change: c.937C>G on transcript NM_006060.6 (MANE Select); coding-DNA position 937, C replaced by G.
Protein change: p.Gln313Glu; replaces glutamine 313 with glutamic acid.
Molecular consequence: missense variant.
Genome position (GRCh38, 1-based): chr7:50,400,004, C>G. VCF-style: chr7-50400004-C-G. GRCh37 (hg19) VCF-style: chr7-50467702-C-G.
Other names: c.811C>G, p.Gln271Glu (NM_001220765.3, NM_001291837.2); c.646C>G, p.Gln216Glu (NM_001220767.2); c.676C>G, p.Gln226Glu (NM_001220768.2, NM_001291838.2); c.520C>G, p.Gln174Glu (NM_001220770.2); c.508C>G, p.Gln170Glu (NM_001220771.2, NM_001291841.1); c.550C>G, p.Gln184Glu (NM_001291839.2); c.247C>G, p.Gln83Glu (NM_001291840.1); c.478C>G, p.Gln160Glu (NM_001291842.1); and 3 more; short protein forms Q174E, Q313E, Q333E, Q118E, Q170E, Q216E, Q226E, Q160E.
Identifiers: ClinVar variation 4735960 (VCV004735960.1).

ClinVar aggregate classification (germline): Uncertain significance (1 of 4 stars; one submission).

Submission:

Labcorp Genetics (formerly Invitae), Labcorp
Classification: Uncertain significance. Last evaluated: 2026-01-21. Review status: criteria provided, single submitter. Criteria: Invitae Variant Classification Sherloc (09022015). Collection method: clinical testing. Allele origin: germline.
Comment: This sequence change replaces glutamine, which is neutral and polar, with glutamic acid, which is acidic and polar, at codon 313 of the IKZF1 protein (p.Gln313Glu). This variant is not present in population databases (gnomAD no frequency). This variant has not been reported in the literature in individuals affected with IKZF1-related conditions. An algorithm developed to predict the effect of missense changes on protein structure and function (PolyPhen-2) suggests that this variant is likely to be tolerated. In summary, the available evidence is currently insufficient to determine the role of this variant in disease. Therefore, it has been classified as a Variant of Uncertain Significance.